The following is an entry in ClinVar:

NM_018475.5(TMEM165):c.734T>C (p.Phe245Ser)

Gene: TMEM165 (transmembrane protein 165; plus strand). Cytogenetic location: 4q12.
Variant type: single nucleotide variant.
Coding change: c.734T>C on transcript NM_018475.5 (MANE Select); coding-DNA position 734, T replaced by C.
Protein change: p.Phe245Ser; replaces phenylalanine 245 with serine.
Molecular consequence: missense variant. On other transcripts: non-coding transcript variant (1).
Genome position (GRCh38, 1-based): chr4:55,417,927, T>C. VCF-style: chr4-55417927-T-C. GRCh37 (hg19) VCF-style: chr4-56284094-T-C.
Other names: short protein forms F245S.
Identifiers: ClinVar variation 2538447 (VCV002538447.3), dbSNP rs755400516, ClinGen allele CA2925574.

ClinVar aggregate classification (germline): Uncertain significance. Review status: criteria provided, multiple submitters, no conflicts (2 of 4 stars). 2 submissions from 2 submitters: Uncertain significance (2). Last evaluated 2025-04-10.

Conditions:
TMEM165-congenital disorder of glycosylation. Also called: Congenital disorder of glycosylation type 2k; TMEM165-CDG; CDG IIk. Identifiers: Orphanet 314667, MedGen C3553571, MONDO:0013870, OMIM 614727.

Allele frequency attached by ClinVar (database versions not stated): gnomAD exomes 0.00001; ExAC 0.00002.
gnomAD v4.1: 5 of 1,614,060 alleles (0.00031%); highest among the groups gnomAD compares: Non-Finnish European, 0.00042%; no homozygotes.

Submissions (2):

Labcorp Genetics (formerly Invitae), Labcorp
Classification: Uncertain significance for TMEM165-congenital disorder of glycosylation. Last evaluated: 2025-04-10. Review status: criteria provided, single submitter. Criteria: Invitae Variant Classification Sherloc (09022015). Collection method: clinical testing. Allele origin: germline.
Comment: This sequence change replaces phenylalanine, which is neutral and non-polar, with serine, which is neutral and polar, at codon 245 of the TMEM165 protein (p.Phe245Ser). This variant is present in population databases (rs755400516, gnomAD 0.002%). This variant has not been reported in the literature in individuals affected with TMEM165-related conditions. ClinVar contains an entry for this variant (Variation ID: 2538447). Invitae Evidence Modeling of protein sequence and biophysical properties (such as structural, functional, and spatial information, amino acid conservation, physicochemical variation, residue mobility, and thermodynamic stability) indicates that this missense variant is expected to disrupt TMEM165 protein function with a positive predictive value of 80%. In summary, the available evidence is currently insufficient to determine the role of this variant in disease. Therefore, it has been classified as a Variant of Uncertain Significance.

Ambry Genetics
Classification: Uncertain significance. Last evaluated: 2023-04-18. Review status: criteria provided, single submitter. Criteria: Ambry Variant Classification Scheme 2023. Collection method: clinical testing. Allele origin: germline.